The following is an entry in ClinVar:

NM_001082538.3(TCTN1):c.1015G>C (p.Val339Leu)

Gene: TCTN1 (tectonic family member 1; plus strand). Cytogenetic location: 12q24.11.
Variant type: single nucleotide variant.
Coding change: c.1015G>C on transcript NM_001082538.3 (MANE Select); coding-DNA position 1015, G replaced by C.
Protein change: p.Val339Leu; replaces valine 339 with leucine.
Molecular consequence: missense variant. On other transcripts: non-coding transcript variant (1).
Genome position (GRCh38, 1-based): chr12:110,641,060, G>C. VCF-style: chr12-110641060-G-C. GRCh37 (hg19) VCF-style: chr12-111078865-G-C.
Other names: c.1015G>C, p.Val339Leu (NM_001082537.3, NM_001319680.2); c.847G>C, p.Val283Leu (NM_001173975.3); c.835G>C, p.Val279Leu (NM_001173976.2); c.481G>C, p.Val161Leu (NM_001319681.2); c.973G>C, p.Val325Leu (NM_024549.6); c.1015G>C (NM_001082538.2); short protein forms V283L, V325L, V279L, V339L, V161L.
Identifiers: ClinVar variation 1395337 (VCV001395337.5), dbSNP rs201990420, ClinGen allele CA6786796.
Genomic context (GRCh38, chr12:110,641,060, plus strand): 5'-TTTGGAGTATCATTTTGTTTTTAGGTAAAGTACAGCCTCACATACACAGATGCAGGTGAA[G>C]TCACCAAAGCTGATCTCTCATTCGTTCTGGGGACAGTTAGCAGCGTAGTGGTCCCACTGC-3'
Protein context (NP_001076007.1, residues 329-349): YSLTYTDAGE[Val339Leu]TKADLSFVLG

ClinVar aggregate classification (germline): Uncertain significance. Review status: criteria provided, multiple submitters, no conflicts (2 of 4 stars). 2 submissions from 2 submitters: Uncertain significance (2). Last evaluated 2024-03-11.

Conditions:
Joubert syndrome. Also called: CEREBELLOPARENCHYMAL DISORDER IV; JOUBERT-BOLTSHAUSER SYNDROME; Familial aplasia of the vermis. Identifiers: Orphanet 475, MedGen C5979921, MONDO:0018772.
Meckel-Gruber syndrome. Also called: DYSENCEPHALIA SPLANCHNOCYSTICA; GRUBER SYNDROME; Dysencephalia splachnocystica. Identifiers: Orphanet 564, MedGen C0265215, MONDO:0018921.
Inborn genetic diseases. Identifiers: MedGen C0950123, MeSH D030342.

Allele frequency attached by ClinVar (database versions not stated): ExAC 0.00002; ESP Exome Variant Server 0.00008; gnomAD 0.00011; TOPMed 0.00013; 1000 Genomes Project 0.00020; 1000 Genomes Project 30x 0.00031.
gnomAD v4.1: 105 of 1,614,230 alleles (0.0065%); highest among the groups gnomAD compares: African/African-American, 0.032%; no homozygotes.

Submissions (2):

Labcorp Genetics (formerly Invitae), Labcorp
Classification: Uncertain significance for Joubert syndrome; Meckel-Gruber syndrome. Last evaluated: 2024-03-11. Review status: criteria provided, single submitter. Criteria: Invitae Variant Classification Sherloc (09022015). Collection method: clinical testing. Allele origin: germline.
Comment: This sequence change replaces valine, which is neutral and non-polar, with leucine, which is neutral and non-polar, at codon 339 of the TCTN1 protein (p.Val339Leu). This variant is present in population databases (rs201990420, gnomAD 0.05%). This variant has not been reported in the literature in individuals affected with TCTN1-related conditions. ClinVar contains an entry for this variant (Variation ID: 1395337). Advanced modeling of protein sequence and biophysical properties (such as structural, functional, and spatial information, amino acid conservation, physicochemical variation, residue mobility, and thermodynamic stability) performed at Invitae indicates that this missense variant is not expected to disrupt TCTN1 protein function with a negative predictive value of 80%. In summary, the available evidence is currently insufficient to determine the role of this variant in disease. Therefore, it has been classified as a Variant of Uncertain Significance.

Ambry Genetics
Classification: Uncertain significance for Inborn genetic diseases. Last evaluated: 2022-04-19. Review status: criteria provided, single submitter. Criteria: Ambry Variant Classification Scheme 2023. Collection method: clinical testing. Allele origin: germline.